The following is an entry in ClinVar:

NM_000278.5(PAX2):c.115del (p.Gln39fs)

Gene: PAX2 (paired box 2; plus strand). Cytogenetic location: 10q24.31.
Variant type: Deletion.
Coding change: c.115del on transcript NM_000278.5 (MANE Select); coding-DNA position 115, one base deleted (C; older notation c.115delC).
Protein change: p.Gln39fs; shifts the reading frame from glutamine 39.
Molecular consequence: frameshift variant.
Genome position (GRCh38, 1-based): chr10:100,749,817, C deleted. VCF-style (leftmost placement, unchanged base first): chr10-100749816-GC-G. GRCh37 (hg19) VCF-style: chr10-102509573-GC-G.
Other names: c.208del, p.Gln70fs (NM_001304569.2); c.115del, p.Gln39fs (NM_003987.5, NM_003988.5, NM_003989.5 and 1 more transcripts); short protein forms Q39fs, Q70fs.
Identifiers: ClinVar variation 2024087 (VCV002024087.4), dbSNP rs2492893061, ClinGen allele CA2580081087.

ClinVar aggregate classification (germline): Pathogenic (1 of 4 stars; one submission).

Conditions:
Renal coloboma syndrome (PAPRS). Also called: PAPILLORENAL SYNDROME; COLOBOMA OF OPTIC NERVE WITH RENAL DISEASE; OPTIC COLOBOMA, VESICOURETERAL REFLUX, AND RENAL ANOMALIES; OPTIC NERVE COLOBOMA WITH RENAL DISEASE; RENAL-COLOBOMA SYNDROME WITH MACULAR ABNORMALITIES; PAPILLORENAL SYNDROME WITH MILD OCULAR ABNORMALITIES. Identifiers: Orphanet 1475, MedGen C1852759, MONDO:0007352, OMIM 120330.
Focal segmental glomerulosclerosis 7 (FSGS7). Identifiers: Orphanet 656, MedGen C4014925, MONDO:0014451, OMIM 616002.

Submission:

Labcorp Genetics (formerly Invitae), Labcorp
Classification: Pathogenic for Renal coloboma syndrome; Focal segmental glomerulosclerosis 7. Last evaluated: 2022-08-13. Review status: criteria provided, single submitter. Criteria: Invitae Variant Classification Sherloc (09022015). Collection method: clinical testing. Allele origin: germline.
Comment: This sequence change creates a premature translational stop signal (p.Gln39Serfs*44) in the PAX2 gene. It is expected to result in an absent or disrupted protein product. Loss-of-function variants in PAX2 are known to be pathogenic (PMID: 11461952, 24676634). This variant is not present in population databases (gnomAD no frequency). This variant has not been reported in the literature in individuals affected with PAX2-related conditions. For these reasons, this variant has been classified as Pathogenic.

Literature cited by the submitters: PubMed 11461952; PubMed 24676634.